The following is an entry in ClinVar:

NM_002439.5(MSH3):c.2477A>C (p.His826Pro)

Gene: MSH3 (mutS homolog 3; plus strand). Cytogenetic location: 5q14.1.
Variant type: single nucleotide variant.
Coding change: c.2477A>C on transcript NM_002439.5 (MANE Select); coding-DNA position 2477, A replaced by C.
Protein change: p.His826Pro; replaces histidine 826 with proline.
Molecular consequence: missense variant.
Genome position (GRCh38, 1-based): chr5:80,787,606, A>C. VCF-style: chr5-80787606-A-C. GRCh37 (hg19) VCF-style: chr5-80083425-A-C.
Other names: short protein forms H826P.
Identifiers: ClinVar variation 1374706 (VCV001374706.6), dbSNP rs757883022, ClinGen allele CA360283161.

ClinVar aggregate classification (germline): Uncertain significance (1 of 4 stars; one submission).

Submission:

Labcorp Genetics (formerly Invitae), Labcorp
Classification: Uncertain significance. Last evaluated: 2022-07-19. Review status: criteria provided, single submitter. Criteria: Invitae Variant Classification Sherloc (09022015). Collection method: clinical testing. Allele origin: germline.
Comment: This variant is not present in population databases (gnomAD no frequency). This variant has not been reported in the literature in individuals affected with MSH3-related conditions. ClinVar contains an entry for this variant (Variation ID: 1374706). Algorithms developed to predict the effect of missense changes on protein structure and function (SIFT, PolyPhen-2, Align-GVGD) all suggest that this variant is likely to be tolerated. In summary, the available evidence is currently insufficient to determine the role of this variant in disease. Therefore, it has been classified as a Variant of Uncertain Significance. This sequence change replaces histidine, which is basic and polar, with proline, which is neutral and non-polar, at codon 826 of the MSH3 protein (p.His826Pro).